The following is an entry in ClinVar:

NM_001369.3(DNAH5):c.4669A>G (p.Asn1557Asp)

Genes: DNAH5 (dynein axonemal heavy chain 5; minus strand), DNAH5-AS1 (DNAH5 antisense RNA 1; plus strand). Cytogenetic location: 5p15.2.
Variant type: single nucleotide variant.
Coding change: c.4669A>G on transcript NM_001369.3 (MANE Select); coding-DNA position 4669, A replaced by G.
Protein change: p.Asn1557Asp; replaces asparagine 1557 with aspartic acid.
Molecular consequence: missense variant.
Genome position (GRCh38, 1-based): chr5:13,862,675, T>C on the plus strand (A>G on the coding strand, the complement: DNAH5 is on the minus strand). VCF-style: chr5-13862675-T-C. GRCh37 (hg19) VCF-style: chr5-13862784-T-C.
Other names: short protein forms N1557D.
Identifiers: ClinVar variation 1425232 (VCV001425232.6), dbSNP rs767321919, ClinGen allele CA359222090.

ClinVar aggregate classification (germline): Uncertain significance (1 of 4 stars; one submission).

Conditions:
Primary ciliary dyskinesia. Also called: Ciliary dyskinesia. Identifiers: Orphanet 244, MedGen C0008780, MONDO:0016575, HP:0012265.

Submission:

Labcorp Genetics (formerly Invitae), Labcorp
Classification: Uncertain significance for Primary ciliary dyskinesia. Last evaluated: 2025-06-23. Review status: criteria provided, single submitter. Criteria: Invitae Variant Classification Sherloc (09022015). Collection method: clinical testing. Allele origin: germline.
Comment: This sequence change replaces asparagine, which is neutral and polar, with aspartic acid, which is acidic and polar, at codon 1557 of the DNAH5 protein (p.Asn1557Asp). This variant is not present in population databases (gnomAD no frequency). This variant has not been reported in the literature in individuals affected with DNAH5-related conditions. ClinVar contains an entry for this variant (Variation ID: 1425232). Invitae Evidence Modeling of protein sequence and biophysical properties (such as structural, functional, and spatial information, amino acid conservation, physicochemical variation, residue mobility, and thermodynamic stability) indicates that this missense variant is not expected to disrupt DNAH5 protein function with a negative predictive value of 95%. In summary, the available evidence is currently insufficient to determine the role of this variant in disease. Therefore, it has been classified as a Variant of Uncertain Significance.